The following is an entry in ClinVar:

NM_003995.4(NPR2):c.2530G>A (p.Glu844Lys)

Gene: NPR2 (natriuretic peptide receptor 2; plus strand). Cytogenetic location: 9p13.3.
Variant type: single nucleotide variant.
Coding change: c.2530G>A on transcript NM_003995.4 (MANE Select); coding-DNA position 2530, G replaced by A.
Protein change: p.Glu844Lys; replaces glutamic acid 844 with lysine.
Molecular consequence: missense variant.
Genome position (GRCh38, 1-based): chr9:35,807,033, G>A. VCF-style: chr9-35807033-G-A. GRCh37 (hg19) VCF-style: chr9-35807030-G-A.
Other names: c.2539G>A, p.Glu847Lys (NM_001378923.1); short protein forms E847K, E844K.
Identifiers: ClinVar variation 2014374 (VCV002014374.4), dbSNP rs2491066261, ClinGen allele CA373380711.

ClinVar aggregate classification (germline): Uncertain significance (1 of 4 stars; one submission).

Conditions:
Acromesomelic dysplasia 1, Maroteaux type (AMD1). Also called: ST. HELENA DYSPLASIA; ACROMESOMELIC DYSPLASIA 1. Identifiers: Orphanet 40, MedGen C1864356, MONDO:0011275, OMIM 602875.
Tall stature-scoliosis-macrodactyly of the great toes syndrome. Also called: Epiphyseal chondrodysplasia, miura type. Identifiers: Orphanet 329191, MedGen C4014690, MONDO:0014401, OMIM 615923.

Submission:

Labcorp Genetics (formerly Invitae), Labcorp
Classification: Uncertain significance for Tall stature-scoliosis-macrodactyly of the great toes syndrome; Acromesomelic dysplasia 1, Maroteaux type. Last evaluated: 2022-07-06. Review status: criteria provided, single submitter. Criteria: Invitae Variant Classification Sherloc (09022015). Collection method: clinical testing. Allele origin: germline.
Comment: This variant has not been reported in the literature in individuals affected with NPR2-related conditions. This variant is not present in population databases (gnomAD no frequency). This sequence change replaces glutamic acid, which is acidic and polar, with lysine, which is basic and polar, at codon 844 of the NPR2 protein (p.Glu844Lys). Algorithms developed to predict the effect of missense changes on protein structure and function are either unavailable or do not agree on the potential impact of this missense change (SIFT: "Deleterious"; PolyPhen-2: "Benign"; Align-GVGD: "Class C55"). In summary, the available evidence is currently insufficient to determine the role of this variant in disease. Therefore, it has been classified as a Variant of Uncertain Significance.